The following is an entry in ClinVar:

ClinVar aggregate classification (germline): Uncertain significance (1 of 4 stars; one submission).

Conditions:
Amelocerebrohypohidrotic syndrome (KTZS). Also called: EPILEPSY AND YELLOW TEETH; EPILEPSY, DEMENTIA, AND AMELOGENESIS IMPERFECTA; KOHLSCHUTTER SYNDROME; Kohlschutter's syndrome. Identifiers: Orphanet 1946, MedGen C0406740, MONDO:0009185, OMIM 226750.

Submission:

Labcorp Genetics (formerly Invitae), Labcorp
Classification: Uncertain significance for Amelocerebrohypohidrotic syndrome. Last evaluated: 2021-05-14. Review status: criteria provided, single submitter. Criteria: Invitae Variant Classification Sherloc (09022015). Collection method: clinical testing. Allele origin: germline.
Comment: This sequence change replaces serine with threonine at codon 65 of the ROGDI protein (p.Ser65Thr). The serine residue is weakly conserved and there is a small physicochemical difference between serine and threonine. This variant is not present in population databases (ExAC no frequency). This variant has not been reported in the literature in individuals with ROGDI-related conditions. Algorithms developed to predict the effect of missense changes on protein structure and function (SIFT, PolyPhen-2, Align-GVGD) all suggest that this variant is likely to be tolerated, but these predictions have not been confirmed by published functional studies and their clinical significance is uncertain. In summary, the available evidence is currently insufficient to determine the role of this variant in disease. Therefore, it has been classified as a Variant of Uncertain Significance.

NM_024589.3(ROGDI):c.194G>C (p.Ser65Thr)

Gene: ROGDI (rogdi atypical leucine zipper; minus strand). Cytogenetic location: 16p13.3.
Variant type: single nucleotide variant.
Coding change: c.194G>C on transcript NM_024589.3 (MANE Select); coding-DNA position 194, G replaced by C.
Protein change: p.Ser65Thr; replaces serine 65 with threonine.
Molecular consequence: missense variant. On other transcripts: non-coding transcript variant (1).
Genome position (GRCh38, 1-based): chr16:4,801,509, C>G on the plus strand (G>C on the coding strand, the complement: ROGDI is on the minus strand). VCF-style: chr16-4801509-C-G. GRCh37 (hg19) VCF-style: chr16-4851510-C-G.
Other names: short protein forms S65T.
Identifiers: ClinVar variation 1353621 (VCV001353621.8), dbSNP rs2141912636, ClinGen allele CA394655100.
Genomic context (GRCh38, chr16:4,801,509, plus strand): 5'-CCTCCTACCCCCCAAGGTACCCATTTCCCCGGTTTCCGCCTAGCCCAGGCTCACCCACAG[C>G]TGCCTAGGATGAAGTTCTCTTGCTTGGCGGGCCCCTCAGTGCCGGAGCCCGGCAGAGTGA-3'
Protein context (NP_078865.1, residues 55-75): PAKQENFILG[Ser65Thr]CGTDQVKGVL